The following is an entry in ClinVar:

ClinVar aggregate classification (germline): Likely benign (1 of 4 stars; one submission).

Allele frequency attached by ClinVar (database versions not stated): gnomAD 0.00008; 1000 Genomes Project 0.00040; gnomAD exomes 0.00044; ExAC 0.00101.
gnomAD v4.1: 633 of 1,564,582 alleles (0.04%); highest among the groups gnomAD compares: South Asian, 0.7%; 31 homozygotes.

Submission:

CeGaT Center for Human Genetics Tuebingen
Classification: Likely benign. Last evaluated: 2022-07-01. Review status: criteria provided, single submitter. Criteria: CeGaT Center For Human Genetics Tuebingen Variant Classification Criteria Version 2. Collection method: clinical testing. Allele origin: germline. Affected: yes. Observed: 1 variant allele.
Comment: PRB2: BP4, BP7

NM_006248.4(PRB2):c.861C>G (p.Pro287=)

Gene: PRB2 (proline rich protein BstNI subfamily 2). Cytogenetic location: 12p13.2.
Variant type: single nucleotide variant.
Coding change: c.861C>G on transcript NM_006248.4 (MANE Select); coding-DNA position 861, C replaced by G.
Protein change: p.Pro287=; no amino-acid change (proline 287 retained).
Molecular consequence: synonymous variant.
Genome position (GRCh38, 1-based): chr12:11,393,217, G>C on the plus strand (C>G on the coding strand, the complement: PRB2 is on the minus strand). VCF-style: chr12-11393217-G-C. GRCh37 (hg19) VCF-style: chr12-11546151-G-C.
Identifiers: ClinVar variation 2642722 (VCV002642722.24), dbSNP rs535167743, ClinGen allele CA6453452.
Genomic context (GRCh38, chr12:11,393,217, plus strand): 5'-TGGTCCTTGTGGCTTTCCTGGAGGAGATCGAGAACTTCGGGACTTGCTGCCTCCTTGTGG[G>C]GGTGGTCCTTGTGGCTTTCCTGGAGGTGGGGGACCTTGAGGTTTGTTGCCTCCTTGTGGG-3'
Protein context (NP_006239.3, residues 277-297): PPPPGKPQGP[Pro287=]PQGGSKSRSS